The following is an entry in ClinVar:

NM_001165963.4(SCN1A):c.3880-305del

Genes: SCN1A (sodium voltage-gated channel alpha subunit 1; minus strand), LOC102724058 (uncharacterized LOC102724058; plus strand). Cytogenetic location: 2q24.3.
Variant type: Deletion.
Coding change: c.3880-305del on transcript NM_001165963.4 (MANE Select); 305 bases into the intron before coding-DNA position 3880, one base deleted (T; older notation c.3880-305delT).
Molecular consequence: intron variant.
Genome position (GRCh38, 1-based): chr2:166,010,146, A deleted on the plus strand (T on the coding strand, the reverse complement: SCN1A is on the minus strand); the first of 7 consecutive A bases (chr2:166,010,146-166,010,152); deleting any one gives the same sequence. VCF-style (leftmost placement, unchanged base first): chr2-166010145-GA-G. GRCh37 (hg19) VCF-style: chr2-166866655-GA-G.
Other names: c.3847-305del (NM_001353949.2, NM_001353950.2, NM_001353951.2 and 2 more transcripts); c.3796-305del (NM_001353958.2, NM_001353957.2, NM_001165964.3); c.3880-305del (NM_001202435.3, NM_001353948.2); c.3844-305del (NM_001353955.2, NM_001353954.2); c.3793-305del (NM_001353960.2); c.1438-305del (NM_001353961.2).
Identifiers: ClinVar variation 669812 (VCV000669812.1), dbSNP rs146427393, ClinGen allele CA59772902.
Genomic context (GRCh38, chr2:166,010,145, plus strand): 5'-GAATAAATAGAAAAAAAAAGCAAAGTAAAAATTAGTAAAATAAAAGAAGAAATCAAGGTG[GA>G]AAAAAATTCATTGGCTATTCTTCCTTTATTTTATTAAGTTGCTGTTGAATTTAAGGCTTT-3'

ClinVar aggregate classification (germline): Benign (1 of 4 stars; one submission).

Submission:

GeneDx
Classification: Benign. Last evaluated: 2018-06-14. Review status: criteria provided, single submitter. Criteria: GeneDx Variant Classification (06012015). Collection method: clinical testing. Allele origin: germline. Affected: yes.
Comment: This variant is considered likely benign or benign based on one or more of the following criteria: it is a conservative change, it occurs at a poorly conserved position in the protein, it is predicted to be benign by multiple in silico algorithms, and/or has population frequency not consistent with disease.